The following is an entry in ClinVar:

ClinVar aggregate classification (germline): Uncertain significance (1 of 4 stars; one submission).

Allele frequency attached by ClinVar (database versions not stated): TOPMed below 0.00001.
gnomAD v4.1: 2 of 1,552,952 alleles (0.00013%); highest among the groups gnomAD compares: African/African-American, 0.0027%; no homozygotes.

Submission:

Labcorp Genetics (formerly Invitae), Labcorp
Classification: Uncertain significance. Last evaluated: 2022-02-28. Review status: criteria provided, single submitter. Criteria: Invitae Variant Classification Sherloc (09022015). Collection method: clinical testing. Allele origin: germline.
Comment: In summary, the available evidence is currently insufficient to determine the role of this variant in disease. Therefore, it has been classified as a Variant of Uncertain Significance. Algorithms developed to predict the effect of missense changes on protein structure and function are either unavailable or do not agree on the potential impact of this missense change (SIFT: "Deleterious"; PolyPhen-2: "Not Available"; Align-GVGD: "Class C0"). This variant has not been reported in the literature in individuals affected with PCLO-related conditions. The frequency data for this variant in the population databases is considered unreliable, as metrics indicate poor data quality at this position in the gnomAD database. This sequence change replaces proline, which is neutral and non-polar, with arginine, which is basic and polar, at codon 4683 of the PCLO protein (p.Pro4683Arg).

NM_033026.6(PCLO):c.14048C>G (p.Pro4683Arg)

Gene: PCLO (piccolo presynaptic cytomatrix protein; minus strand). Cytogenetic location: 7q21.11.
Variant type: single nucleotide variant.
Coding change: c.14048C>G on transcript NM_033026.6 (MANE Select); coding-DNA position 14048, C replaced by G.
Protein change: p.Pro4683Arg; replaces proline 4683 with arginine.
Molecular consequence: missense variant.
Genome position (GRCh38, 1-based): chr7:82,841,508, G>C on the plus strand (C>G on the coding strand, the complement: PCLO is on the minus strand). VCF-style: chr7-82841508-G-C. GRCh37 (hg19) VCF-style: chr7-82470824-G-C.
Other names: c.14048C>G, p.Pro4683Arg (NM_014510.3); short protein forms P4683R.
Identifiers: ClinVar variation 1967467 (VCV001967467.5), dbSNP rs1339579524, ClinGen allele CA367878637.